The following is an entry in ClinVar:

ClinVar aggregate classification (germline): Uncertain significance (1 of 4 stars; one submission).

Conditions:
Atrial septal defect 5 (ASD5). Identifiers: Orphanet 1478, MedGen C2748552, MONDO:0013011, OMIM 612794.
Dilated cardiomyopathy 1R (CMD1R). Identifiers: Orphanet 154, Orphanet 54260, MedGen C3150681, MONDO:0013261, OMIM 613424.
Hypertrophic cardiomyopathy 11. Also called: ACTC1-Related Familial Hypertrophic Cardiomyopathy. Identifiers: MedGen C2677506, MONDO:0012799, OMIM 612098.

Submission:

Labcorp Genetics (formerly Invitae), Labcorp
Classification: Uncertain significance for Dilated cardiomyopathy 1R; Hypertrophic cardiomyopathy 11; Atrial septal defect 5. Last evaluated: 2026-01-04. Review status: criteria provided, single submitter. Criteria: Invitae Variant Classification Sherloc (09022015). Collection method: clinical testing. Allele origin: germline.
Comment: This sequence change falls in intron 5 of the ACTC1 gene. It does not directly change the encoded amino acid sequence of the ACTC1 protein. The frequency data for this variant in the population databases is considered unreliable, as metrics indicate poor data quality at this position in the gnomAD database. This variant has not been reported in the literature in individuals affected with ACTC1-related conditions. Algorithms developed to predict the effect of sequence changes on RNA splicing suggest that this variant may disrupt the consensus splice site. In summary, the available evidence is currently insufficient to determine the role of this variant in disease. Therefore, it has been classified as a Variant of Uncertain Significance.

NM_005159.5(ACTC1):c.809-12_809-11insGG

Genes: ACTC1 (actin alpha cardiac muscle 1; minus strand), GJD2-DT (GJD2 divergent transcript; plus strand). Cytogenetic location: 15q14.
Variant type: Insertion.
Coding change: c.809-12_809-11insGG on transcript NM_005159.5 (MANE Select); 12 bases into the intron before coding-DNA position 809 through 11 bases into the intron before coding-DNA position 809, GG inserted.
Molecular consequence: intron variant.
Genome position: GRCh38 VCF-style: chr15-34791306-G-GCC. GRCh37 (hg19) VCF-style: chr15-35083507-G-GCC.
Other names: c.809-12_809-11insGG (NM_001406483.1, NM_001406482.1); c.368-12_368-11insGG (NM_001406485.1); c.674-12_674-11insGG (NM_001406484.1).
Identifiers: ClinVar variation 4789375 (VCV004789375.1).